The following is an entry in ClinVar:

NM_001165963.4(SCN1A):c.5074T>A (p.Phe1692Ile)

Genes: SCN1A (sodium voltage-gated channel alpha subunit 1; minus strand), LOC102724058 (uncharacterized LOC102724058; plus strand). Cytogenetic location: 2q24.3.
Variant type: single nucleotide variant.
Coding change: c.5074T>A on transcript NM_001165963.4 (MANE Select); coding-DNA position 5074, T replaced by A.
Protein change: p.Phe1692Ile; replaces phenylalanine 1692 with isoleucine.
Molecular consequence: missense variant. On other transcripts: non-coding transcript variant (1).
Genome position (GRCh38, 1-based): chr2:165,992,201, A>T on the plus strand (T>A on the coding strand, the complement: SCN1A is on the minus strand). VCF-style: chr2-165992201-A-T. GRCh37 (hg19) VCF-style: chr2-166848711-A-T.
Other names: c.4990T>A, p.Phe1664Ile (NM_001165964.3, NM_001353957.2, NM_001353958.2); c.5074T>A, p.Phe1692Ile (NM_001202435.3, NM_001353948.2); c.5041T>A, p.Phe1681Ile (NM_001353949.2, NM_001353950.2, NM_001353951.2 and 2 more transcripts); c.5038T>A, p.Phe1680Ile (NM_001353954.2, NM_001353955.2); c.4987T>A, p.Phe1663Ile (NM_001353960.2); c.2632T>A, p.Phe878Ile (NM_001353961.2); short protein forms F1692I, F1663I, F1681I, F878I, F1664I, F1680I.
Identifiers: ClinVar variation 845338 (VCV000845338.10), dbSNP rs1689313945, ClinGen allele CA349069369.
Genomic context (GRCh38, chr2:165,992,201, plus strand): 5'-TGCCAAAGGTCTCAAAGTTGAACATGTCATCGATCCCAACTTCCCTCTTAACATAGGCAA[A>T]GTTGGACATCCCAAAGATGGCGTAGATGAACATGACTAGGAAGAGTAGGAGGCCGATGTT-3'
Protein context (NP_001159435.1, residues 1682-1702): FIYAIFGMSN[Phe1692Ile]AYVKREVGID

ClinVar aggregate classification (germline): Uncertain significance (1 of 4 stars; one submission).

Conditions:
Early-infantile DEE. Also called: Ohtahara syndrome; Early infantile epileptic encephalopathy with suppression bursts; Early infantile epileptic encephalopathy. Identifiers: Orphanet 1934, MedGen C0393706, MONDO:0800491.

Submission:

Labcorp Genetics (formerly Invitae), Labcorp
Classification: Uncertain significance for Early-infantile DEE. Last evaluated: 2019-05-14. Review status: criteria provided, single submitter. Criteria: Invitae Variant Classification Sherloc (09022015). Collection method: clinical testing. Allele origin: germline.
Comment: In summary, the available evidence is currently insufficient to determine the role of this variant in disease. Therefore, it has been classified as a Variant of Uncertain Significance. Algorithms developed to predict the effect of missense changes on protein structure and function are either unavailable or do not agree on the potential impact of this missense change (SIFT: "Deleterious"; PolyPhen-2: "Probably Damaging"; Align-GVGD: "Class C15"). This variant has not been reported in the literature in individuals with SCN1A-related conditions. This variant is not present in population databases (ExAC no frequency). This sequence change replaces phenylalanine with isoleucine at codon 1692 of the SCN1A protein (p.Phe1692Ile). The phenylalanine residue is highly conserved and there is a small physicochemical difference between phenylalanine and isoleucine.